The following is an entry in ClinVar:

NM_001318510.2(ACSL4):c.275G>A (p.Arg92His)

Gene: ACSL4 (acyl-CoA synthetase long chain family member 4; minus strand). Cytogenetic location: Xq23.
Variant type: single nucleotide variant.
Coding change: c.275G>A on transcript NM_001318510.2 (MANE Select); coding-DNA position 275, G replaced by A.
Protein change: p.Arg92His; replaces arginine 92 with histidine.
Molecular consequence: missense variant.
Genome position (GRCh38, 1-based): chrX:109,682,850, C>T on the plus strand (G>A on the coding strand, the complement: ACSL4 is on the minus strand). VCF-style: chrX-109682850-C-T. GRCh37 (hg19) VCF-style: chrX-108926079-C-T.
Other names: c.398G>A, p.Arg133His (NM_001318509.2, NM_022977.3); c.275G>A, p.Arg92His (NM_004458.3); short protein forms R133H, R92H.
Identifiers: ClinVar variation 4000599 (VCV004000599.5).

ClinVar aggregate classification (germline): Conflicting classifications of pathogenicity. Review status: criteria provided, conflicting classifications (1 of 4 stars). 2 submissions from 2 submitters: Uncertain significance (1); Likely benign (1). Last evaluated 2026-03-01.

Conditions:
Inborn genetic diseases. Identifiers: MedGen C0950123, MeSH D030342.

gnomAD v4.1: 3 of 1,210,946 alleles (0.00025%); highest among the groups gnomAD compares: Non-Finnish European, 0.00034%; no homozygotes.

Submissions (2):

CeGaT Center for Human Genetics Tuebingen
Classification: Likely benign. Last evaluated: 2026-03-01. Review status: criteria provided, single submitter. Criteria: CeGaT Center For Human Genetics Tuebingen Variant Classification Criteria Version 2. Collection method: clinical testing. Allele origin: germline. Affected: yes. Observed: 1 variant allele.
Comment: ACSL4: BP4

Ambry Genetics
Classification: Uncertain significance for Inborn genetic diseases. Last evaluated: 2025-06-04. Review status: criteria provided, single submitter. Criteria: Ambry Variant Classification Scheme 2023. Collection method: clinical testing. Allele origin: germline.